The following is an entry in ClinVar:

ClinVar aggregate classification (germline): Uncertain significance (1 of 4 stars; one submission).

gnomAD v4.1: 6 of 1,207,973 alleles (0.0005%); highest among the groups gnomAD compares: East Asian, 0.003%; no homozygotes.

Submission:

GeneDx
Classification: Uncertain significance. Last evaluated: 2024-11-06. Review status: criteria provided, single submitter. Criteria: GeneDx Variant Classification Process June 2021. Collection method: clinical testing. Allele origin: germline. Affected: yes.
Comment: In silico analysis supports that this missense variant has a deleterious effect on protein structure/function; Has not been previously published as pathogenic or benign to our knowledge

NM_001291415.2(KDM6A):c.4316A>G (p.Tyr1439Cys)

Gene: KDM6A (lysine demethylase 6A; plus strand). Cytogenetic location: Xp11.3.
Variant type: single nucleotide variant.
Coding change: c.4316A>G on transcript NM_001291415.2 (MANE Select); coding-DNA position 4316, A replaced by G.
Protein change: p.Tyr1439Cys; replaces tyrosine 1439 with cysteine.
Molecular consequence: missense variant. On other transcripts: non-coding transcript variant (1).
Genome position (GRCh38, 1-based): chrX:45,110,233, A>G. VCF-style: chrX-45110233-A-G. GRCh37 (hg19) VCF-style: chrX-44969478-A-G.
Other names: c.4181A>G, p.Tyr1394Cys (NM_001291416.2); c.4025A>G, p.Tyr1342Cys (NM_001291417.2); c.3923A>G, p.Tyr1308Cys (NM_001291418.2); c.3272A>G, p.Tyr1091Cys (NM_001291421.2); c.4058A>G, p.Tyr1353Cys (NM_001410742.1); c.4424A>G, p.Tyr1475Cys (NM_001419809.1); c.4322A>G, p.Tyr1441Cys (NM_001419810.1); c.4289A>G, p.Tyr1430Cys (NM_001419811.1); and 5 more; short protein forms Y1091C, Y1308C, Y1342C, Y1344C, Y1353C, Y1387C, Y1389C, Y1394C.
Identifiers: ClinVar variation 3898945 (VCV003898945.1).